The following is an entry in ClinVar:

ClinVar aggregate classification (germline): Uncertain significance (1 of 4 stars; one submission).

Conditions:
Brugada syndrome 5 (BRGDA5). Identifiers: Orphanet 130, Orphanet 871, MedGen C2748541, MONDO:0013015, OMIM 612838.

gnomAD v4.1: 1 of 1,555,120 alleles (0.000064%); highest among the groups gnomAD compares: Non-Finnish European, 0.000087%; no homozygotes.

Submission:

Labcorp Genetics (formerly Invitae), Labcorp
Classification: Uncertain significance for Brugada syndrome 5. Last evaluated: 2025-01-27. Review status: criteria provided, single submitter. Criteria: Invitae Variant Classification Sherloc (09022015). Collection method: clinical testing. Allele origin: germline.
Comment: This sequence change replaces methionine, which is neutral and non-polar, with threonine, which is neutral and polar, at codon 219 of the SCN1B protein (p.Met219Thr). This variant is not present in population databases (gnomAD no frequency). This variant has not been reported in the literature in individuals affected with SCN1B-related conditions. An algorithm developed to predict the effect of missense changes on protein structure and function outputs the following: PolyPhen-2: "Benign". The threonine amino acid residue is found in multiple mammalian species, which suggests that this missense change does not adversely affect protein function. In summary, the available evidence is currently insufficient to determine the role of this variant in disease. Therefore, it has been classified as a Variant of Uncertain Significance.

NM_001037.5(SCN1B):c.448+208T>C

Gene: SCN1B (sodium voltage-gated channel beta subunit 1; plus strand). Cytogenetic location: 19q13.11.
Variant type: single nucleotide variant.
Coding change: c.448+208T>C on transcript NM_001037.5 (MANE Select); 208 bases into the intron after coding-DNA position 448, T replaced by C.
Molecular consequence: intron variant. On other transcripts: missense variant (1).
Genome position (GRCh38, 1-based): chr19:35,033,947, T>C. VCF-style: chr19-35033947-T-C. GRCh37 (hg19) VCF-style: chr19-35524851-T-C.
Other names: c.656T>C, p.Met219Thr (NM_199037.5); c.349+208T>C (NM_001321605.2); short protein forms M219T.
Identifiers: ClinVar variation 3624954 (VCV003624954.2).